The following is an entry in ClinVar:

NM_178857.6(RP1L1):c.1378G>A (p.Gly460Ser)

Gene: RP1L1 (RP1 like 1). Cytogenetic location: 8p23.1.
Variant type: single nucleotide variant.
Coding change: c.1378G>A on transcript NM_178857.6 (MANE Select); coding-DNA position 1378, G replaced by A.
Protein change: p.Gly460Ser; replaces glycine 460 with serine.
Molecular consequence: missense variant.
Genome position (GRCh38, 1-based): chr8:10,612,720, C>T on the plus strand (G>A on the coding strand, the complement: RP1L1 is on the minus strand). VCF-style: chr8-10612720-C-T. GRCh37 (hg19) VCF-style: chr8-10470230-C-T.
Other names: short protein forms G460S.
Identifiers: ClinVar variation 493472 (VCV000493472.51), dbSNP rs369924450, ClinGen allele CA4625198.

ClinVar aggregate classification (germline): Conflicting classifications of pathogenicity. Review status: criteria provided, conflicting classifications (1 of 4 stars). 4 submissions from 4 submitters: Uncertain significance (3); Likely benign (1). Last evaluated 2024-11-08.

Conditions:
Inborn genetic diseases. Identifiers: MedGen C0950123, MeSH D030342.
Occult macular dystrophy (OCMD). Also called: OCCULT MACULAR DYSTROPHY, SUSCEPTIBILITY TO; OMD. Identifiers: Orphanet 247834, MedGen C3150833, MONDO:0013316, OMIM 613587, HP:0030636.

Allele frequency attached by ClinVar (database versions not stated): gnomAD 0.00005 and 0.00006; gnomAD exomes 0.00005 and 0.00007; TOPMed 0.00006; ESP Exome Variant Server 0.00008; ExAC 0.00009; 1000 Genomes Project 30x 0.00016; 1000 Genomes Project 0.00020.
gnomAD v4.1: 90 of 1,605,524 alleles (0.0056%); highest among the groups gnomAD compares: Middle Eastern, 0.017%; no homozygotes.

Submissions (4):

Blueprint Genetics
Classification: Uncertain significance. Last evaluated: 2024-11-08. Review status: criteria provided, single submitter. Criteria: ACMG Guidelines, 2015. Collection method: clinical testing. Allele origin: germline.

Ambry Genetics
Classification: Uncertain significance for Inborn genetic diseases. Last evaluated: 2024-05-30. Review status: criteria provided, single submitter. Criteria: Ambry Variant Classification Scheme 2023. Collection method: clinical testing. Allele origin: germline.

CeGaT Center for Human Genetics Tuebingen
Classification: Uncertain significance. Last evaluated: 2022-06-01. Review status: criteria provided, single submitter. Criteria: CeGaT Center For Human Genetics Tuebingen Variant Classification Criteria Version 2. Collection method: clinical testing. Allele origin: germline. Affected: yes. Observed: 3 variant alleles.
Comment: RP1L1: PM2, BP4

Illumina Laboratory Services, Illumina
Classification: Likely benign for Occult macular dystrophy. Last evaluated: 2018-01-13. Review status: criteria provided, single submitter. Criteria: ICSL Variant Classification Criteria 13 December 2019. Collection method: clinical testing. Allele origin: germline.
Comment: This variant was observed in the ICSL laboratory as part of a predisposition screen in an ostensibly healthy population. It had not been previously curated by ICSL or reported in the Human Gene Mutation Database (HGMD: prior to June 1st, 2018), and was therefore a candidate for classification through an automated scoring system. Utilizing variant allele frequency, disease prevalence and penetrance estimates, and inheritance mode, an automated score was calculated to assess if this variant is too frequent to cause the disease. Based on the score and internal cut-off values, a variant classified as likely benign is not then subjected to further curation. The score for this variant resulted in a classification of likely benign for this disease.